The following is an entry in ClinVar:

NM_001366521.1(ATP2B1):c.2231G>A (p.Arg744Gln)

Gene: ATP2B1 (ATPase plasma membrane Ca2+ transporting 1; minus strand). Cytogenetic location: 12q21.33.
Variant type: single nucleotide variant.
Coding change: c.2231G>A on transcript NM_001366521.1 (MANE Select); coding-DNA position 2231, G replaced by A.
Protein change: p.Arg744Gln; replaces arginine 744 with glutamine.
Molecular consequence: missense variant. On other transcripts: non-coding transcript variant (3).
Genome position (GRCh38, 1-based): chr12:89,611,209, C>T on the plus strand (G>A on the coding strand, the complement: ATP2B1 is on the minus strand). VCF-style: chr12-89611209-C-T. GRCh37 (hg19) VCF-style: chr12-90004986-C-T.
Other names: c.1976G>A, p.Arg659Gln (NM_001413056.1); c.1778G>A, p.Arg593Gln (NM_001413057.1); c.1670G>A, p.Arg557Gln (NM_001413058.1, NM_001413059.1, NM_001413060.1 and 2 more transcripts); c.2231G>A, p.Arg744Gln (NM_001682.3, NM_001001323.2, NM_001366520.1 and 12 more transcripts); c.2033G>A, p.Arg678Gln (NM_001366530.1, NM_001413053.1); c.2192G>A, p.Arg731Gln (NM_001413048.1); c.2090G>A, p.Arg697Gln (NM_001413051.1, NM_001413052.1, NM_001413055.1); c.1988G>A, p.Arg663Gln (NM_001413054.1); short protein forms R557Q, R593Q, R659Q, R663Q, R678Q, R697Q, R731Q, R744Q.
Identifiers: ClinVar variation 5038687 (VCV005038687.1).

ClinVar aggregate classification (germline): Uncertain significance (1 of 4 stars; one submission).

Submission:

CeGaT Center for Human Genetics Tuebingen
Classification: Uncertain significance. Last evaluated: 2026-08-01. Review status: criteria provided, single submitter. Criteria: CeGaT Center For Human Genetics Tuebingen Variant Classification Criteria Version 2. Collection method: clinical testing. Allele origin: germline. Affected: yes. Observed: 1 variant allele.
Comment: ATP2B1: PS2:Moderate, PP2, PP3